The following is an entry in ClinVar:

NM_001357.5(DHX9):c.3494C>T (p.Ala1165Val)

Gene: DHX9 (DExH-box helicase 9; plus strand). Cytogenetic location: 1q25.3.
Variant type: single nucleotide variant.
Coding change: c.3494C>T on transcript NM_001357.5 (MANE Select); coding-DNA position 3494, C replaced by T.
Protein change: p.Ala1165Val; replaces alanine 1165 with valine.
Molecular consequence: missense variant. On other transcripts: non-coding transcript variant (1).
Genome position (GRCh38, 1-based): chr1:182,887,115, C>T. VCF-style: chr1-182887115-C-T. GRCh37 (hg19) VCF-style: chr1-182856250-C-T.
Other names: short protein forms A1165V.
Identifiers: ClinVar variation 3373316 (VCV003373316.1).

ClinVar aggregate classification (germline): Uncertain significance (1 of 4 stars; one submission).

Submission:

GeneDx
Classification: Uncertain significance. Last evaluated: 2024-04-30. Review status: criteria provided, single submitter. Criteria: GeneDx Variant Classification Process June 2021. Collection method: clinical testing. Allele origin: germline. Affected: yes.
Comment: Not observed at significant frequency in large population cohorts (gnomAD); In silico analysis indicates that this missense variant does not alter protein structure/function; Has not been previously published as pathogenic or benign to our knowledge